The following is an entry in ClinVar:

ClinVar aggregate classification (germline): Conflicting classifications of pathogenicity. Review status: criteria provided, conflicting classifications (1 of 4 stars). 6 submissions from 6 submitters: Uncertain significance (5); Likely benign (1). Last evaluated 2025-08-29.

Conditions:
Focal segmental glomerulosclerosis 3, susceptibility to (FSGS3). Identifiers: Orphanet 656, MedGen C1842982, MONDO:0011917, OMIM 607832.

Allele frequency attached by ClinVar (database versions not stated): gnomAD 0.00009 and 0.00012; TOPMed 0.00009; gnomAD exomes 0.00019; 1000 Genomes Project 0.00020; ExAC 0.00021; ESP Exome Variant Server 0.00023; 1000 Genomes Project 30x 0.00031.
gnomAD v4.1: 279 of 1,465,330 alleles (0.019%); highest among the groups gnomAD compares: Middle Eastern, 1.8%; 5 homozygotes.

Submissions (7):

Labcorp Genetics (formerly Invitae), Labcorp
Classification: Uncertain significance. Last evaluated: 2025-08-29. Review status: criteria provided, single submitter. Criteria: Invitae Variant Classification Sherloc (09022015). Collection method: clinical testing. Allele origin: germline.
Comment: This sequence change replaces lysine, which is basic and polar, with methionine, which is neutral and non-polar, at codon 301 of the CD2AP protein (p.Lys301Met). This variant is present in population databases (rs141778404, gnomAD 0.2%). This missense change has been observed in individual(s) with chronic kidney disease and/or focal segmental glomerulosclerosis (PMID: 19131354, 26346198, 36134775). ClinVar contains an entry for this variant (Variation ID: 402519). An algorithm developed to predict the effect of missense changes on protein structure and function (PolyPhen-2) suggests that this variant is likely to be disruptive. Experimental studies have shown that this missense change affects CD2AP function (PMID: 19131354). In summary, the available evidence is currently insufficient to determine the role of this variant in disease. Therefore, it has been classified as a Variant of Uncertain Significance.

Blueprint Genetics
Classification: Likely benign. Last evaluated: 2024-09-25. Review status: criteria provided, single submitter. Criteria: ACMG Guidelines, 2015. Collection method: clinical testing. Allele origin: germline.

Revvity Omics, Revvity
Classification: Uncertain significance for Focal segmental glomerulosclerosis 3, susceptibility to. Last evaluated: 2020-03-23. Review status: criteria provided, single submitter. Criteria: ACMG Guidelines, 2015. Collection method: clinical testing. Allele origin: germline.

Baylor Genetics
Classification: Uncertain significance for Focal segmental glomerulosclerosis 3, susceptibility to. Last evaluated: 2019-12-24. Review status: criteria provided, single submitter. Criteria: ACMG Guidelines, 2015. Collection method: clinical testing. Allele origin: unknown. Affected: yes.
Comment: This variant was determined to be of uncertain significance according to ACMG Guidelines, 2015 [PMID:25741868].

Laboratory for Molecular Medicine, Mass General Brigham Personalized Medicine
Classification: Uncertain significance. Last evaluated: 2016-03-29. Review status: criteria provided, single submitter. Criteria: LMM Criteria. Collection method: clinical testing. Allele origin: germline.
Comment: Variant identified in a genome or exome case(s) and assessed due to predicted null impact of the variant or pathogenic assertions in the literature or databases. Disclaimer: This variant has not undergone full assessment. The following are preliminary notes: AD condition. Extract From Al-Hamed 2013: In addition, the CD2AP variant K301M was found as a heterozygous allele in three of our patients; one was associated with homozygous Q1020X mutation in PLCE1 gene (F5), other two (S14 and S16) were detected alone (Table 5). Although K301M has been reported by Gigante et al.54 previously as a pathogenic mutation, we also found this variant in 2.79% of our normal controls suggesting that this variant is a polymorphism. Functional studies showed that at K301M variant had a defective CD2Ã»CD2AP interaction.54 The high frequency of the K301M variant in the Saudi population would certainly point away from this heterozygous variant alone being disease causing.

Breakthrough Genomics
Classification: Uncertain significance. Review status: criteria provided, single submitter. Criteria: ACMG Guidelines, 2015. Collection method: not provided. Allele origin: germline. Inheritance: Unknown mechanism. Affected: yes.

Dr. Peter K. Rogan Lab, Western University
No classification provided (evidence only). Condition: Acute myeloid leukemia. Review status: no classification provided. Collection method: in vitro. Allele origin: not applicable. Functional consequence: retained intron. Not counted in ClinVar's aggregate classification.

Literature cited by the submitters: PubMed 19131354 (cited by Labcorp Genetics (formerly Invitae), Labcorp); PubMed 26346198 (cited by Labcorp Genetics (formerly Invitae), Labcorp); PubMed 36134775 (cited by Labcorp Genetics (formerly Invitae), Labcorp).

NM_012120.3(CD2AP):c.902A>T (p.Lys301Met)

Gene: CD2AP (CD2 associated protein; plus strand). Cytogenetic location: 6p12.3.
Variant type: single nucleotide variant.
Coding change: c.902A>T on transcript NM_012120.3 (MANE Select); coding-DNA position 902, A replaced by T.
Protein change: p.Lys301Met; replaces lysine 301 with methionine.
Molecular consequence: missense variant.
Genome position (GRCh38, 1-based): chr6:47,577,102, A>T. VCF-style: chr6-47577102-A-T. GRCh37 (hg19) VCF-style: chr6-47544838-A-T.
Other names: short protein forms K301M.
Identifiers: ClinVar variation 402519 (VCV000402519.16), dbSNP rs141778404, ClinGen allele CA3844128.